The following is an entry in ClinVar:

NM_004960.4(FUS):c.1464C>T (p.Gly488=)

Gene: FUS (FUS DNA/RNA binding protein; plus strand). Cytogenetic location: 16p11.2.
Variant type: single nucleotide variant.
Coding change: c.1464C>T on transcript NM_004960.4 (MANE Select); coding-DNA position 1464, C replaced by T.
Protein change: p.Gly488=; no amino-acid change (glycine 488 retained).
Molecular consequence: synonymous variant. On other transcripts: non-coding transcript variant (1).
Genome position (GRCh38, 1-based): chr16:31,191,033, C>T. VCF-style: chr16-31191033-C-T. GRCh37 (hg19) VCF-style: chr16-31202354-C-T.
Other names: c.1461C>T, p.Gly487= (NM_001170634.1); c.1452C>T, p.Gly484= (NM_001170937.1).
Identifiers: ClinVar variation 259593 (VCV000259593.31), dbSNP rs150529460, ClinGen allele CA8024068.

ClinVar aggregate classification (germline): Benign/Likely benign. Review status: criteria provided, multiple submitters, no conflicts (2 of 4 stars). 10 submissions from 10 submitters: Benign (2); Likely benign (5). 3 of the submissions do not count toward it. Last evaluated 2026-10-01.

Conditions:
FUS-related disorder. Also called: FUS-related condition.
Inborn genetic diseases. Identifiers: MedGen C0950123, MeSH D030342.
Tremor, hereditary essential, 4 (ETM4). Identifiers: MedGen C3539195, MONDO:0013888, OMIM 614782.
Amyotrophic lateral sclerosis type 6. Also called: FUS-Related Amyotrophic Laterial Sclerosis; Amyotrophic lateral sclerosis 6, with or without frontotemporal dementia; AMYOTROPHIC LATERAL SCLEROSIS 6 WITHOUT FRONTOTEMPORAL DEMENTIA. Identifiers: Orphanet 275872, Orphanet 803, MedGen C2931786, MONDO:0011951, OMIM 608030.

Allele frequency attached by ClinVar (database versions not stated): gnomAD exomes 0.00043 and 0.00105; ESP Exome Variant Server 0.00069; gnomAD 0.00075 and 0.00082; ExAC 0.00082; TOPMed 0.00101; 1000 Genomes Project 30x 0.00250; 1000 Genomes Project 0.00260.
gnomAD v4.1: 780 of 1,611,786 alleles (0.048%); highest among the groups gnomAD compares: Admixed American, 0.61%; 4 homozygotes.

Submissions (10):

CeGaT Center for Human Genetics Tuebingen
Classification: Likely benign. Last evaluated: 2026-10-01. Review status: criteria provided, single submitter. Criteria: CeGaT Center For Human Genetics Tuebingen Variant Classification Criteria Version 2. Collection method: clinical testing. Allele origin: germline. Affected: yes. Observed: 3 variant alleles.
Comment: FUS: BP4, BP7

Labcorp Genetics (formerly Invitae), Labcorp
Classification: Benign for Tremor, hereditary essential, 4; Amyotrophic lateral sclerosis type 6. Last evaluated: 2026-01-25. Review status: criteria provided, single submitter. Criteria: Invitae Variant Classification Sherloc (09022015). Collection method: clinical testing. Allele origin: germline.

PreventionGenetics, part of Exact Sciences
Classification: Likely benign for FUS-related condition. Last evaluated: 2025-06-02. Review status: criteria provided, single submitter. Criteria: ACMG Guidelines, 2015. Collection method: clinical testing. Allele origin: germline.
Comment: This variant is classified as likely benign based on ACMG/AMP sequence variant interpretation guidelines (Richards et al. 2015 PMID: 25741868, with internal and published modifications).

Blueprint Genetics
Classification: Likely benign. Last evaluated: 2024-11-27. Review status: criteria provided, single submitter. Criteria: ACMG Guidelines, 2015. Collection method: clinical testing. Allele origin: germline.

Ambry Genetics
Classification: Likely benign for Inborn genetic diseases. Last evaluated: 2023-04-24. Review status: criteria provided, single submitter. Criteria: Ambry Variant Classification Scheme 2023. Collection method: clinical testing. Allele origin: germline.

Illumina Laboratory Services, Illumina
Classification: Benign for Amyotrophic lateral sclerosis type 6. Last evaluated: 2017-06-14. Review status: criteria provided, single submitter. Criteria: ICSL Variant Classification Criteria 13 December 2019. Collection method: clinical testing. Allele origin: germline.
Comment: This variant was observed as part of a predisposition screen in an ostensibly healthy population. A literature search was performed for the gene, cDNA change, and amino acid change (where applicable). Publications were found based on this search. The evidence from the literature, in combination with allele frequency data from public databases where available, was sufficient to rule this variant out of causing disease. Therefore, this variant is classified as benign.

Breakthrough Genomics
Classification: Likely benign. Review status: criteria provided, single submitter. Criteria: ACMG Guidelines, 2015. Collection method: not provided. Allele origin: germline. Inheritance: Autosomal dominant inheritance. Affected: yes.

Clinical Genetics DNA and cytogenetics Diagnostics Lab, Erasmus MC, Erasmus Medical Center
Classification: Likely benign. Review status: no assertion criteria provided. Collection method: clinical testing. Allele origin: germline. Affected: yes. Study: VKGL Data-share Consensus. Not counted in ClinVar's aggregate classification.

Genome Diagnostics Laboratory, Amsterdam University Medical Center
Classification: Likely benign. Review status: no assertion criteria provided. Collection method: clinical testing. Allele origin: germline. Affected: yes. Study: VKGL Data-share Consensus. Not counted in ClinVar's aggregate classification.

Genome Diagnostics Laboratory, University Medical Center Utrecht
Classification: Likely benign. Review status: no assertion criteria provided. Collection method: clinical testing. Allele origin: germline. Affected: yes. Study: VKGL Data-share Consensus. Not counted in ClinVar's aggregate classification.

Literature cited by the submitters: PubMed 22340366 (cited by Illumina Laboratory Services, Illumina); PubMed 19861302 (cited by Illumina Laboratory Services, Illumina); PubMed 23731953 (cited by Illumina Laboratory Services, Illumina).